The following is an entry in ClinVar:

NM_001177316.2(SLC34A3):c.305-7G>A

Gene: SLC34A3 (solute carrier family 34 member 3; plus strand). Cytogenetic location: 9q34.3.
Variant type: single nucleotide variant.
Coding change: c.305-7G>A on transcript NM_001177316.2 (MANE Select); 7 bases into the intron before coding-DNA position 305, G replaced by A.
Molecular consequence: intron variant.
Genome position (GRCh38, 1-based): chr9:137,232,777, G>A. VCF-style: chr9-137232777-G-A. GRCh37 (hg19) VCF-style: chr9-140127229-G-A.
Other names: c.305-7G>A (NM_001177317.2, NM_080877.3).
Identifiers: ClinVar variation 724890 (VCV000724890.15), dbSNP rs201109343, ClinGen allele CA5364334.
Genomic context (GRCh38, chr9:137,232,777, plus strand): 5'-CGGGTGCCCAGGGCGGGGCGGGCAACCAGCCCTCCGCAGCTTCAGCGCACCTCTCTTGCC[G>A]GTGTAGGCAAAGTGGCCGGAGACATCTTCAAGGACAACGTGGTGCTGTCCAACCCTGTGG-3'

ClinVar aggregate classification (germline): Conflicting classifications of pathogenicity. Review status: criteria provided, conflicting classifications (1 of 4 stars). 6 submissions from 6 submitters: Uncertain significance (3); Likely benign (2). 1 of the submissions does not count toward it. Last evaluated 2026-01-09.

Conditions:
Autosomal recessive hypophosphatemic bone disease (HHRH). Also called: HYPERCALCIURIC RICKETS; Hypophosphatemic rickets with hypercalciuria. Identifiers: Orphanet 157215, MedGen C1853271, MONDO:0009431, OMIM 241530.
SLC34A3-related disorder. Also called: SLC34A3-related condition.

Allele frequency attached by ClinVar (database versions not stated): TOPMed 0.00011; ExAC 0.00013; gnomAD 0.00014 and 0.00015; gnomAD exomes 0.00014; 1000 Genomes Project 30x 0.00016; 1000 Genomes Project 0.00020.
gnomAD v4.1: 205 of 1,613,034 alleles (0.013%); highest among the groups gnomAD compares: Non-Finnish European, 0.015%; no homozygotes.

Submissions (6):

Women's Health and Genetics/Laboratory Corporation of America, LabCorp
Classification: Uncertain significance. Last evaluated: 2026-01-09. Review status: criteria provided, single submitter. Criteria: LabCorp Variant Classification Summary - May 2015. Collection method: clinical testing. Allele origin: germline.
Comment: Variant summary: SLC34A3 c.305-7G>A alters a nucleotide located at a position not widely known to affect splicing. Several computational tools predict a significant impact on normal splicing: Two predict the variant abolishes a 3' acceptor site. One predict the variant weakens a 3' acceptor site. Three predict the variant creates a 3' acceptor site. However, these predictions have yet to be confirmed by functional studies. The variant allele was found at a frequency of 0.00014 in 250156 control chromosomes. This frequency is not significantly higher than estimated for disease-causing variants in SLC34A3, allowing no conclusion about variant significance. c.305-7G>A has been observed in individual(s) with symptoms of Hereditary Hypophosphatemic Rickets With Hypercalciuria (Cogal_2021). These data do not allow any conclusion about variant significance. To our knowledge, no experimental evidence demonstrating an impact on protein function has been reported. The following publication has been ascertained in the context of this evaluation (PMID: 34805638). ClinVar contains an entry for this variant (Variation ID: 724890). Based on the evidence outlined above, the variant was classified as uncertain significance.

Labcorp Genetics (formerly Invitae), Labcorp
Classification: Likely benign. Last evaluated: 2025-07-30. Review status: criteria provided, single submitter. Criteria: Invitae Variant Classification Sherloc (09022015). Collection method: clinical testing. Allele origin: germline.

Rare Kidney Stone Consortium and the Mayo Clinic Hyperoxaluria Center, Mayo Clinic
Classification: Uncertain significance for Autosomal recessive hypophosphatemic bone disease. Last evaluated: 2025-05-01. Review status: criteria provided, single submitter. Criteria: ACMG Guidelines, 2015. Collection method: research. Allele origin: germline. Observed: 2 variant alleles.
Comment: ACMG: PM3, PP3, PP4

2 x unrelated heterozygotes. Could be significant.

Fulgent Genetics
Classification: Uncertain significance for Autosomal recessive hypophosphatemic bone disease. Last evaluated: 2024-01-24. Review status: criteria provided, single submitter. Criteria: ACMG Guidelines, 2015. Collection method: clinical testing. Allele origin: germline.

Breakthrough Genomics
Classification: Likely benign. Review status: criteria provided, single submitter. Criteria: ACMG Guidelines, 2015. Collection method: not provided. Allele origin: germline. Inheritance: Autosomal recessive inheritance. Affected: yes.

PreventionGenetics, part of Exact Sciences
Classification: Uncertain significance for SLC34A3-related condition. Last evaluated: 2023-10-30. Review status: no assertion criteria provided. Collection method: clinical testing. Allele origin: germline. Not counted in ClinVar's aggregate classification.
Comment: The SLC34A3 c.305-7G>A variant is predicted to interfere with splicing. This variant in the heterozygous condition was reported in an individual with Urinary stone disease (Cogal et al 2021. PubMed ID: 34805638). This variant is reported in 0.026% of alleles in individuals of European (Non-Finnish) descent in gnomAD. At this time, the clinical significance of this variant is uncertain due to the absence of conclusive functional and genetic evidence.

Literature cited by the submitters: PubMed 34805638 (cited by Women's Health and Genetics/Laboratory Corporation of America, LabCorp and Rare Kidney Stone Consortium and the Mayo Clinic Hyperoxaluria Center, Mayo Clinic).